The following is an entry in ClinVar:

ClinVar aggregate classification (germline): Uncertain significance (1 of 4 stars; one submission).

Conditions:
GSN-related disorder. Also called: GSN-related condition.

gnomAD v4.1: 2 of 1,535,394 alleles (0.00013%); highest among the groups gnomAD compares: Non-Finnish European, 0.00017%; no homozygotes.

Submission:

PreventionGenetics, part of Exact Sciences
Classification: Uncertain significance for GSN-related condition. Last evaluated: 2025-10-21. Review status: criteria provided, single submitter. Criteria: ACMG Guidelines, 2015. Collection method: clinical testing. Allele origin: germline.
Comment: The GSN c.1A>G variant is predicted to disrupt the translation initiation site (Start loss). Of note, this variant can be referred to as c.-13718A>G (pre-coding) in the more commonly reported isoform, NM_000177. To our knowledge, this variant has not been reported in the literature or in a large population database (gnomAD), indicating this variant is rare. At this time, the clinical significance of this variant is uncertain due to the absence of conclusive functional and genetic evidence.

NM_198252.3(GSN):c.-10+4582A>G

Genes: GSN (gelsolin; plus strand), LOC126860753 (MED14-independent group 3 enhancer GRCh37_chr9:124048350-124049549; plus strand). Cytogenetic location: 9q33.2.
Variant type: single nucleotide variant.
Coding change: c.-10+4582A>G on transcript NM_198252.3 (MANE Select); 4582 bases into the intron after 10 bases upstream of the start codon, A replaced by G.
Molecular consequence: intron variant. On other transcripts: missense variant (1), initiator codon variant (1), 5 prime UTR variant (1).
Genome position (GRCh38, 1-based): chr9:121,286,144, A>G. VCF-style: chr9-121286144-A-G. GRCh37 (hg19) VCF-style: chr9-124048422-A-G.
Other names: c.1A>G, p.Met1Val (NM_001258029.2); c.-89A>G (NM_001353069.2); c.-10+4582A>G (NM_001353054.1, NM_001353053.1, NM_001353060.2 and 2 more transcripts); c.-48+4582A>G (NM_001353064.2, NM_001353066.2, NM_001353076.2 and 1 more transcripts); c.-2+4582A>G (NM_001353058.2, NM_001353057.2); c.-39+3594A>G (NM_001353073.2, NM_001353068.2); c.-39+4191A>G (NM_001353065.2); c.-10+4191A>G (NM_001127664.2); and 13 more; short protein forms M1V.
Identifiers: ClinVar variation 4982393 (VCV004982393.1).